The following is an entry in ClinVar:

NM_015272.5(RPGRIP1L):c.2391A>G (p.Arg797=)

Gene: RPGRIP1L (RPGRIP1 like; minus strand). Cytogenetic location: 16q12.2.
Variant type: single nucleotide variant.
Coding change: c.2391A>G on transcript NM_015272.5 (MANE Select); coding-DNA position 2391, A replaced by G.
Protein change: p.Arg797=; no amino-acid change (arginine 797 retained).
Molecular consequence: synonymous variant.
Genome position (GRCh38, 1-based): chr16:53,645,917, T>C on the plus strand (A>G on the coding strand, the complement: RPGRIP1L is on the minus strand). VCF-style: chr16-53645917-T-C. GRCh37 (hg19) VCF-style: chr16-53679829-T-C.
Other names: c.2391A>G, p.Arg797= (NM_001127897.4, NM_001308334.3, NM_001330538.2); c.2391A>G (NM_015272.4).
Identifiers: ClinVar variation 2020683 (VCV002020683.5), dbSNP rs2544107878, ClinGen allele CA495784459.

ClinVar aggregate classification (germline): Likely benign. Review status: criteria provided, multiple submitters, no conflicts (2 of 4 stars). 2 submissions from 2 submitters: Likely benign (2). Last evaluated 2025-12-29.

Conditions:
RPGRIP1L-related disorder. Also called: RPGRIP1L-related disorders; RPGRIP1L-related condition. Identifiers: MedGen CN239416.
Joubert syndrome. Also called: Familial aplasia of the vermis; JOUBERT-BOLTSHAUSER SYNDROME. Identifiers: Orphanet 475, MedGen C5979921, MONDO:0018772.
Meckel-Gruber syndrome. Also called: Dysencephalia splachnocystica; DYSENCEPHALIA SPLANCHNOCYSTICA; GRUBER SYNDROME. Identifiers: Orphanet 564, MedGen C0265215, MONDO:0018921.

Submissions (2):

PreventionGenetics, part of Exact Sciences
Classification: Likely benign for RPGRIP1L-related condition. Last evaluated: 2025-12-29. Review status: criteria provided, single submitter. Criteria: ACMG Guidelines, 2015. Collection method: clinical testing. Allele origin: germline.
Comment: This variant is classified as likely benign based on ACMG/AMP sequence variant interpretation guidelines (Richards et al. 2015 PMID: 25741868, with internal and published modifications).

Labcorp Genetics (formerly Invitae), Labcorp
Classification: Likely benign for Joubert syndrome; Meckel-Gruber syndrome. Last evaluated: 2022-08-21. Review status: criteria provided, single submitter. Criteria: Invitae Variant Classification Sherloc (09022015). Collection method: clinical testing. Allele origin: germline.